The following is an entry in ClinVar:

NM_130811.4(SNAP25):c.595G>A (p.Ala199Thr)

Gene: SNAP25 (synaptosome associated protein 25; plus strand). Cytogenetic location: 20p12.2.
Variant type: single nucleotide variant.
Coding change: c.595G>A on transcript NM_130811.4 (MANE Select); coding-DNA position 595, G replaced by A.
Protein change: p.Ala199Thr; replaces alanine 199 with threonine.
Molecular consequence: missense variant.
Genome position (GRCh38, 1-based): chr20:10,306,171, G>A. VCF-style: chr20-10306171-G-A. GRCh37 (hg19) VCF-style: chr20-10286819-G-A.
Other names: c.595G>A, p.Ala199Thr (NM_001322905.2, NM_001322906.2, NM_001322907.2 and 9 more transcripts); short protein forms A199T.
Identifiers: ClinVar variation 3638616 (VCV003638616.2).
Genomic context (GRCh38, chr20:10,306,171, plus strand): 5'-CTTTTCCCCCTTTTCTAGGCTGATTCCAACAAAACCAGAATTGATGAGGCCAACCAACGT[G>A]CAACAAAGATGCTGGGAAGTGGTTAAGTGTGCCCACCCGTGTTCTCCTCCAAATGCTGTC-3'
Protein context (NP_570824.1, residues 189-206): KTRIDEANQR[Ala199Thr]TKMLGSG

ClinVar aggregate classification (germline): Uncertain significance (1 of 4 stars; one submission).

Conditions:
Congenital myasthenic syndrome 18. Also called: MYASTHENIC SYNDROME, CONGENITAL, 18, WITH INTELLECTUAL DISABILITY AND ATAXIA. Identifiers: Orphanet 590, MedGen C4225364, MONDO:0014590, OMIM 616330.

Submission:

Labcorp Genetics (formerly Invitae), Labcorp
Classification: Uncertain significance for Congenital myasthenic syndrome 18. Last evaluated: 2024-02-03. Review status: criteria provided, single submitter. Criteria: Invitae Variant Classification Sherloc (09022015). Collection method: clinical testing. Allele origin: germline.
Comment: This sequence change replaces alanine, which is neutral and non-polar, with threonine, which is neutral and polar, at codon 199 of the SNAP25 protein (p.Ala199Thr). This variant is not present in population databases (gnomAD no frequency). This variant has not been reported in the literature in individuals affected with SNAP25-related conditions. An algorithm developed to predict the effect of missense changes on protein structure and function (PolyPhen-2) suggests that this variant is likely to be disruptive. This variant disrupts the p.Ala199 amino acid residue in SNAP25. Other variant(s) that disrupt this residue have been determined to be pathogenic (PMID: 33299146). This suggests that this residue is clinically significant, and that variants that disrupt this residue are likely to be disease-causing. In summary, the available evidence is currently insufficient to determine the role of this variant in disease. Therefore, it has been classified as a Variant of Uncertain Significance.

Literature cited by the submitters: PubMed 33299146.